The following is an entry in ClinVar:

NM_006218.4(PIK3CA):c.2449A>G (p.Ile817Val)

Gene: PIK3CA (phosphatidylinositol-4,5-bisphosphate 3-kinase catalytic subunit alpha; plus strand). Cytogenetic location: 3q26.32.
Variant type: single nucleotide variant.
Coding change: c.2449A>G on transcript NM_006218.4 (MANE Select); coding-DNA position 2449, A replaced by G.
Protein change: p.Ile817Val; replaces isoleucine 817 with valine.
Molecular consequence: missense variant.
Genome position (GRCh38, 1-based): chr3:179,225,994, A>G. VCF-style: chr3-179225994-A-G. GRCh37 (hg19) VCF-style: chr3-178943782-A-G.
Other names: short protein forms I817V.
Identifiers: ClinVar variation 3306604 (VCV003306604.1).
Genomic context (GRCh38, chr3:179,225,994, plus strand): 5'-ATGGTGATACATATTATTTGAATTTCAGATTTACGGCAAGATATGCTAACACTTCAAATT[A>G]TTCGTATTATGGAAAATATCTGGCAAAATCAAGGTCTTGATCTTCGGTAGGTAACCAGTA-3'
Protein context (NP_006209.2, residues 807-827): LRQDMLTLQI[Ile817Val]RIMENIWQNQ

ClinVar aggregate classification (germline): Uncertain significance (1 of 4 stars; one submission).

Conditions:
Inborn genetic diseases. Identifiers: MedGen C0950123, MeSH D030342.

Submission:

Ambry Genetics
Classification: Uncertain significance for Inborn genetic diseases. Last evaluated: 2024-06-18. Review status: criteria provided, single submitter. Criteria: Ambry Variant Classification Scheme 2023. Collection method: clinical testing. Allele origin: germline.
Comment: The p.I817V variant (also known as c.2449A>G), located in coding exon 16 of the PIK3CA gene, results from an A to G substitution at nucleotide position 2449. The isoleucine at codon 817 is replaced by valine, an amino acid with highly similar properties. This amino acid position is conserved. In addition, the in silico prediction for this alteration is inconclusive. Based on the available evidence, the clinical significance of this variant remains unclear.